The following is an entry in ClinVar:

ClinVar aggregate classification (germline): Pathogenic (1 of 4 stars; one submission).

Conditions:
Progressive sclerosing poliodystrophy (MTDPS4A). Also called: Mitochondrial DNA depletion syndrome 4A (Alpers type); ALPERS PROGRESSIVE INFANTILE POLIODYSTROPHY; NEURONAL DEGENERATION OF CHILDHOOD WITH LIVER DISEASE, PROGRESSIVE; Alpers Syndrome; ALPERS DIFFUSE DEGENERATION OF CEREBRAL GRAY MATTER WITH HEPATIC CIRRHOSIS; Alpers-Huttenlocher Syndrome. Identifiers: Orphanet 726, MedGen C0205710, MONDO:0008758, OMIM 203700.

Submission:

Labcorp Genetics (formerly Invitae), Labcorp
Classification: Pathogenic for Progressive sclerosing poliodystrophy. Last evaluated: 2025-04-10. Review status: criteria provided, single submitter. Criteria: Invitae Variant Classification Sherloc (09022015). Collection method: clinical testing. Allele origin: germline.
Comment: This sequence change creates a premature translational stop signal (p.Thr778Profs*20) in the POLG gene. It is expected to result in an absent or disrupted protein product. Loss-of-function variants in POLG are known to be pathogenic (PMID: 18546365). This variant is not present in population databases (gnomAD no frequency). This variant has not been reported in the literature in individuals affected with POLG-related conditions. For these reasons, this variant has been classified as Pathogenic.

Literature cited by the submitters: PubMed 18546365.

NM_002693.3(POLG):c.2332del (p.Thr778fs)

Gene: POLG (DNA polymerase gamma, catalytic subunit; minus strand). Cytogenetic location: 15q26.1.
Variant type: Deletion.
Coding change: c.2332del on transcript NM_002693.3 (MANE Select); coding-DNA position 2332, one base deleted (A; older notation c.2332delA).
Protein change: p.Thr778fs; shifts the reading frame from threonine 778.
Molecular consequence: frameshift variant.
Genome position (GRCh38, 1-based): chr15:89,322,836, T deleted on the plus strand (A on the coding strand, the reverse complement: POLG is on the minus strand). VCF-style (leftmost placement, unchanged base first): chr15-89322835-GT-G. GRCh37 (hg19) VCF-style: chr15-89866066-GT-G.
Other names: c.2332del, p.Thr778fs (NM_001126131.2); short protein forms T778fs.
Identifiers: ClinVar variation 4717042 (VCV004717042.1).
Genomic context (GRCh38, chr15:89,322,835, plus strand): 5'-ATCATTTTGTTGATTTCCAGAGCACGGGGCCCACTGGCACCTCCTGGGCCAGCCTGCAGG[GT>G]GCCATCCTCCATCTTGGGCAGGAAGTCCTTGGCAAAGGGGCTTCCCACATTACAGCTATT-3'